The following is an entry in ClinVar:

NM_002025.4(AFF2):c.967C>T (p.Leu323Phe)

Gene: AFF2 (ALF transcription elongation factor 2; plus strand). Cytogenetic location: Xq28.
Variant type: single nucleotide variant.
Coding change: c.967C>T on transcript NM_002025.4 (MANE Select); coding-DNA position 967, C replaced by T.
Protein change: p.Leu323Phe; replaces leucine 323 with phenylalanine.
Molecular consequence: missense variant.
Genome position (GRCh38, 1-based): chrX:148,662,694, C>T. VCF-style: chrX-148662694-C-T. GRCh37 (hg19) VCF-style: chrX-147744215-C-T.
Other names: c.955C>T, p.Leu319Phe (NM_001169122.2, NM_001169123.2, NM_001169125.2); c.967C>T, p.Leu323Phe (NM_001169124.2); short protein forms L319F, L323F.
Identifiers: ClinVar variation 3377354 (VCV003377354.1).

ClinVar aggregate classification (germline): Uncertain significance (1 of 4 stars; one submission).

Conditions:
FRAXE. Also called: FRAXE intellectual disability; Intellectual disability, X-linked, FRAXE type; FRAXE Syndrome; Intellectual developmental disorder, X-linked 109; Fragile XE syndrome. Identifiers: Orphanet 100973, MedGen C0751157, MONDO:0010659, OMIM 309548. Disease mechanism: loss of function.

Submission:

Victorian Clinical Genetics Services, Murdoch Childrens Research Institute
Classification: Uncertain significance for FRAXE. Last evaluated: 2024-10-10. Review status: criteria provided, single submitter. Criteria: ACMG Guidelines, 2015. Collection method: clinical testing. Allele origin: germline. Inheritance: X-linked recessive inheritance. Affected: yes.
Comment: Based on the classification scheme VCGS_Germline_v1.3.5, this variant is classified as VUS-3B. Following criteria are met: 0102 - Loss of function is a known mechanism of disease in this gene and is associated with X-linked intellectual developmental disorder 109 (MIM#309548). (I) 0109 - This gene is associated with X-linked recessive disease. (I) 0200 - Variant is predicted to result in a missense amino acid change from leucine to phenylalanine. (I) 0253 - This variant is hemizygous. (I) 0301 - Variant is absent from gnomAD (v2, v3 and v4). (SP) 0502 - Missense variant with conflicting in silico predictions and high conservation. (I) 0600 - Variant is located in the annotated AF-4 domain (DECIPHER). (I) 0705 - No comparable missense variants have previous evidence for pathogenicity. (I) 0807 - This variant has no previous evidence of pathogenicity. (I) 0905 - No published segregation evidence has been identified for this variant. (I) 1007 - No published functional evidence has been identified for this variant. (I) Legend: (SP) - Supporting pathogenic, (I) - Information, (SB) - Supporting benign